The following is an entry in ClinVar:

NM_004064.5(CDKN1B):c.476-5C>G

Gene: CDKN1B (cyclin dependent kinase inhibitor 1B; plus strand). Cytogenetic location: 12p13.1.
Variant type: single nucleotide variant.
Coding change: c.476-5C>G on transcript NM_004064.5 (MANE Select); 5 bases into the intron before coding-DNA position 476, C replaced by G.
Molecular consequence: intron variant.
Genome position (GRCh38, 1-based): chr12:12,718,820, C>G. VCF-style: chr12-12718820-C-G. GRCh37 (hg19) VCF-style: chr12-12871754-C-G.
Identifiers: ClinVar variation 1684848 (VCV001684848.5), dbSNP rs370509436, ClinGen allele CA603358615.

ClinVar aggregate classification (germline): Conflicting classifications of pathogenicity. Review status: criteria provided, conflicting classifications (1 of 4 stars). 3 submissions from 3 submitters: Uncertain significance (1); Benign (1); Likely benign (1). Last evaluated 2025-05-01.

Conditions:
Hereditary cancer-predisposing syndrome. Also called: Neoplastic Syndromes, Hereditary; Hereditary neoplastic syndrome; Tumor predisposition; Hereditary Cancer Syndrome. Identifiers: Orphanet 140162, MedGen C0027672, MeSH D009386, MONDO:0015356.
Multiple endocrine neoplasia type 4. Also called: MULTIPLE ENDOCRINE NEOPLASIA, TYPE IV. Identifiers: Orphanet 276152, MedGen C1970712, MONDO:0012552, OMIM 610755.

gnomAD v4.1: 3 of 1,614,018 alleles (0.00019%); highest among the groups gnomAD compares: Non-Finnish European, 0.00025%; no homozygotes.

Submissions (3):

Labcorp Genetics (formerly Invitae), Labcorp
Classification: Likely benign for Multiple endocrine neoplasia type 4. Last evaluated: 2025-05-01. Review status: criteria provided, single submitter. Criteria: Invitae Variant Classification Sherloc (09022015). Collection method: clinical testing. Allele origin: germline.

Ambry Genetics
Classification: Uncertain significance for Hereditary cancer-predisposing syndrome. Last evaluated: 2024-08-01. Review status: criteria provided, single submitter. Criteria: Ambry Variant Classification Scheme 2023. Collection method: clinical testing. Allele origin: germline.
Comment: The c.476-5C>G intronic variant results from a C to G substitution 5 nucleotides upstream from coding exon 2 in the CDKN1B gene. This nucleotide position is not well conserved in available vertebrate species. In silico splice site analysis predicts that this alteration will not have any significant effect on splicing. Since supporting evidence is limited at this time, the clinical significance of this alteration remains unclear.

Mendelics
Classification: Benign. Last evaluated: 2022-05-04. Review status: criteria provided, single submitter. Criteria: Mendelics Assertion Criteria 2019. Collection method: clinical testing. Allele origin: germline.